The following is an entry in ClinVar:

ClinVar aggregate classification (germline): Uncertain significance. Review status: criteria provided, multiple submitters, no conflicts (2 of 4 stars). 3 submissions from 3 submitters: Uncertain significance (2). 1 of the submissions does not count toward it. Last evaluated 2025-06-17.

Conditions:
EXT2-related disorder. Also called: EXT2-related condition.
Exostoses, multiple, type 2 (EXT2). Also called: Hereditary Multiple Osteochondromatosis, Type II; EXOSTOSES, MULTIPLE, TYPE II. Identifiers: Orphanet 321, MedGen C1851413, MONDO:0007586, OMIM 133701.

Allele frequency attached by ClinVar (database versions not stated): gnomAD 0.00002; TOPMed 0.00002.
gnomAD v4.1: 18 of 1,608,230 alleles (0.0011%); highest among the groups gnomAD compares: East Asian, 0.011%; no homozygotes.

Submissions (3):

St. Jude Molecular Pathology, St. Jude Children's Research Hospital
Classification: Uncertain significance for Exostoses, multiple, type 2. Last evaluated: 2025-06-17. Review status: criteria provided, single submitter. Criteria: St. Jude Assertion Criteria 2020. Collection method: clinical testing. Allele origin: germline.
Comment: The EXT2 c.74G>T p.(Cys25Phe) missense change has a maximum subpopulation frequency of 0.01% in gnomAD v2.1.1. The in silico tool REVEL predicts a benign effect on protein function, but to our knowledge this prediction has not been confirmed by functional studies. To our knowledge, this variant has not been reported in individuals with hereditary multiple exostoses. In summary, the evidence currently available is insufficient to determine the clinical significance of this variant. It has therefore been classified as of uncertain significance.

Illumina Laboratory Services, Illumina
Classification: Uncertain significance for Exostoses, multiple, type 2. Last evaluated: 2018-01-12. Review status: criteria provided, single submitter. Criteria: ICSL Variant Classification Criteria 13 December 2019. Collection method: clinical testing. Allele origin: germline.

PreventionGenetics, part of Exact Sciences
Classification: Uncertain significance for EXT2-related condition. Last evaluated: 2024-07-23. Review status: no assertion criteria provided. Collection method: clinical testing. Allele origin: germline. Not counted in ClinVar's aggregate classification.
Comment: The EXT2 c.74G>T variant is predicted to result in the amino acid substitution p.Cys25Phe. To our knowledge, this variant has not been reported in the literature. This variant is reported in 0.010% of alleles in individuals of East Asian descent in gnomAD and is interpreted as uncertain in ClinVar. At this time, the clinical significance of this variant is uncertain due to the absence of conclusive functional and genetic evidence.

NM_207122.2(EXT2):c.-26G>T

Gene: EXT2 (exostosin glycosyltransferase 2; plus strand). Cytogenetic location: 11p11.2.
Variant type: single nucleotide variant.
Coding change: c.-26G>T on transcript NM_207122.2 (MANE Select); 26 bases upstream of the start codon, G replaced by T.
Molecular consequence: 5 prime UTR variant. On other transcripts: missense variant (1).
Genome position (GRCh38, 1-based): chr11:44,107,687, G>T. VCF-style: chr11-44107687-G-T. GRCh37 (hg19) VCF-style: chr11-44129237-G-T.
Other names: c.74G>T, p.Cys25Phe (NM_000401.3); c.-26G>T (NM_001178083.3, NM_001389628.1, NM_001389630.1); short protein forms C25F.
Identifiers: ClinVar variation 304570 (VCV000304570.8), dbSNP rs369437823, ClinGen allele CA5954796.